The following is an entry in ClinVar:

ClinVar aggregate classification (germline): Uncertain significance (1 of 4 stars; one submission).

Submission:

Labcorp Genetics (formerly Invitae), Labcorp
Classification: Uncertain significance. Last evaluated: 2025-09-02. Review status: criteria provided, single submitter. Criteria: Invitae Variant Classification Sherloc (09022015). Collection method: clinical testing. Allele origin: germline.
Comment: This sequence change replaces lysine, which is basic and polar, with glutamic acid, which is acidic and polar, at codon 1736 of the DOCK6 protein (p.Lys1736Glu). This variant is not present in population databases (gnomAD no frequency). This variant has not been reported in the literature in individuals affected with DOCK6-related conditions. ClinVar contains an entry for this variant (Variation ID: 2732890). Invitae Evidence Modeling of protein sequence and biophysical properties (such as structural, functional, and spatial information, amino acid conservation, physicochemical variation, residue mobility, and thermodynamic stability) indicates that this missense variant is not expected to disrupt DOCK6 protein function with a negative predictive value of 80%. In summary, the available evidence is currently insufficient to determine the role of this variant in disease. Therefore, it has been classified as a Variant of Uncertain Significance.

NM_020812.4(DOCK6):c.5206A>G (p.Lys1736Glu)

Genes: DOCK6 (dedicator of cytokinesis 6; minus strand), DOCK6-AS1 (DOCK6 antisense RNA 1; plus strand). Cytogenetic location: 19p13.2.
Variant type: single nucleotide variant.
Coding change: c.5206A>G on transcript NM_020812.4 (MANE Select); coding-DNA position 5206, A replaced by G.
Protein change: p.Lys1736Glu; replaces lysine 1736 with glutamic acid.
Molecular consequence: missense variant.
Genome position (GRCh38, 1-based): chr19:11,204,214, T>C on the plus strand (A>G on the coding strand, the complement: DOCK6 is on the minus strand). VCF-style: chr19-11204214-T-C. GRCh37 (hg19) VCF-style: chr19-11314890-T-C.
Other names: c.5311A>G, p.Lys1771Glu (NM_001367830.1); short protein forms K1771E, K1736E.
Identifiers: ClinVar variation 2732890 (VCV002732890.3), dbSNP rs2512939203, ClinGen allele CA404075785.
Genomic context (GRCh38, chr19:11,204,214, plus strand): 5'-GGAGTGGGGCTGAGGGTGGGGTCTGGGGAGGGGGTCCTGGGCCCACCTGGTGCATGATCT[T>C]GGTGAAGGCCTCCTGCAGTTTGCCGTGCACCGCGGCCAGCTTCTTGTAGTCACGGTGGGC-3'
Protein context (NP_065863.2, residues 1726-1746): VHGKLQEAFT[Lys1736Glu]IMHQSSGWER